The following is an entry in ClinVar:

NM_000059.4(BRCA2):c.9549dup (p.Leu3184fs)

Gene: BRCA2 (BRCA2 DNA repair associated; plus strand). Cytogenetic location: 13q13.1.
Variant type: Duplication.
Coding change: c.9549dup on transcript NM_000059.4 (MANE Select); coding-DNA position 9549, one base duplicated (A; older notation c.9549dupA).
Protein change: p.Leu3184fs; shifts the reading frame from leucine 3184.
Molecular consequence: frameshift variant.
Genome position (GRCh38, 1-based): chr13:32,396,945, A duplicated. VCF-style (leftmost placement, unchanged base first): chr13-32396944-T-TA. GRCh37 (hg19) VCF-style: chr13-32971081-T-TA.
Other names: short protein forms L3184fs.
Identifiers: ClinVar variation 3718642 (VCV003718642.2).
Genomic context (GRCh38, chr13:32,396,944, plus strand): 5'-ACTTATTTTCTTAGAATATTGACATACTTTGCAATGAAGCAGAAAACAAGCTTATGCATA[T>TA]ACTGCATGCAAATGATCCCAAGTGGTCCACCCCAACTAAAGACTGTACTTCAGGGCCGTA-3'

ClinVar aggregate classification (germline): Pathogenic (1 of 4 stars; one submission).

Conditions:
Hereditary breast ovarian cancer syndrome. Also called: Breast and ovarian cancer; BRCA1- and BRCA2-Associated Hereditary Breast and Ovarian Cancer; Hereditary breast and/or ovarian cancer syndrome; Hereditary breast and ovarian cancer; Hereditary breast and ovarian cancer syndrome (HBOC); Hereditary breast and ovarian cancer syndrome. Identifiers: Orphanet 145, MedGen C0677776, MeSH D061325, MONDO:0003582. Disease mechanism: loss of function.

Submission:

Labcorp Genetics (formerly Invitae), Labcorp
Classification: Pathogenic for Hereditary breast ovarian cancer syndrome. Last evaluated: 2024-04-24. Review status: criteria provided, single submitter. Criteria: Invitae Variant Classification Sherloc (09022015). Collection method: clinical testing. Allele origin: germline.
Comment: This sequence change creates a premature translational stop signal (p.Leu3184Thrfs*5) in the BRCA2 gene. It is expected to result in an absent or disrupted protein product. Loss-of-function variants in BRCA2 are known to be pathogenic (PMID: 20104584). This variant is not present in population databases (gnomAD no frequency). This premature translational stop signal has been observed in individual(s) with breast cancer (PMID: 30968603). This variant is also known as c.9548_9549insA. For these reasons, this variant has been classified as Pathogenic.

Literature cited by the submitters: PubMed 20104584; PubMed 30968603.